The following is an entry in ClinVar:

ClinVar aggregate classification (germline): Conflicting classifications of pathogenicity. Review status: criteria provided, conflicting classifications (1 of 4 stars). 2 submissions from 2 submitters: Pathogenic (1); Uncertain significance (1). Last evaluated 2017-04-28.

Conditions:
Severe X-linked myotubular myopathy (CNMX). Also called: MYOTUBULAR MYOPATHY 1; X-linked centronuclear myopathy; Myotubular myopathy, X-linked. Identifiers: Orphanet 596, MedGen C0410203, MONDO:0010683, OMIM 310400.

Submissions (2):

Labcorp Genetics (formerly Invitae), Labcorp
Classification: Uncertain significance for Severe X-linked myotubular myopathy. Last evaluated: 2017-04-28. Review status: criteria provided, single submitter. Criteria: Invitae Variant Classification Sherloc (09022015). Collection method: clinical testing. Allele origin: germline.
Comment: This sequence change replaces histidine with arginine at codon 469 of the MTM1 protein (p.His469Arg). The histidine residue is highly conserved and there is a small physicochemical difference between histidine and arginine. This variant is not present in population databases (ExAC no frequency). This variant has been reported in an individual affected with X-linked myotubular myopathy (PMID: 17537630). ClinVar contains an entry for this variant (Variation ID: 158932). Algorithms developed to predict the effect of missense changes on protein structure and function do not agree on the potential impact of this missense change (SIFT: "Deleterious"; PolyPhen-2: "Possibly Damaging"; Align-GVGD: "Class C0"). In summary, this variant is a rare missense change with uncertain impact on protein function. While it is absent from the population and reported in affected individuals, the available evidence is currently insufficient to determine its role in disease. Therefore, it has been classified as a Variant of Uncertain Significance. A different missense substitution at this codon (p.His469Pro) has been reported in an affected individual, but the clinical significance of this observation is unknown (PMID: 9305655).

Genetic Services Laboratory, University of Chicago
Classification: Pathogenic for Myotubular myopathy, X-linked. Last evaluated: 2013-02-08. Review status: criteria provided, single submitter. Criteria: ACMG Guidelines, 2007. Collection method: clinical testing. Allele origin: germline. Inheritance: X-linked inheritance. Affected: yes.

Literature cited by the submitters: PubMed 17537630 (cited by Labcorp Genetics (formerly Invitae), Labcorp); PubMed 9305655 (cited by Labcorp Genetics (formerly Invitae), Labcorp).

NM_000252.3(MTM1):c.1406A>G (p.His469Arg)

Gene: MTM1 (myotubularin 1; plus strand). Cytogenetic location: Xq28.
Variant type: single nucleotide variant.
Coding change: c.1406A>G on transcript NM_000252.3 (MANE Select); coding-DNA position 1406, A replaced by G.
Protein change: p.His469Arg; replaces histidine 469 with arginine.
Molecular consequence: missense variant.
Genome position (GRCh38, 1-based): chrX:150,660,423, A>G. VCF-style: chrX-150660423-A-G. GRCh37 (hg19) VCF-style: chrX-149828896-A-G.
Other names: c.1406A>G, p.His469Arg (NM_001376906.1, NM_001376908.1); c.1295A>G, p.His432Arg (NM_001376907.1); short protein forms H469R, H432R.
Identifiers: ClinVar variation 158932 (VCV000158932.15), dbSNP rs587783789, ClinGen allele CA271810.
Genomic context (GRCh38, chrX:150,660,423, plus strand): 5'-TTGTTTAGTTCCCTACAGCTTTTGAATTCAATGAACAATTTTTGATTATAATTTTGGATC[A>G]TCTGTATAGTTGCCGATTTGGTACTTTCTTATTCAACTGTGAATCTGCTCGAGAAAGACA-3'
Protein context (NP_000243.1, residues 459-479): NEQFLIIILD[His469Arg]LYSCRFGTFL